The following is an entry in ClinVar:

NM_004863.4(SPTLC2):c.260T>A (p.Leu87His)

Gene: SPTLC2 (serine palmitoyltransferase long chain base subunit 2; minus strand). Cytogenetic location: 14q24.3.
Variant type: single nucleotide variant.
Coding change: c.260T>A on transcript NM_004863.4 (MANE Select); coding-DNA position 260, T replaced by A.
Protein change: p.Leu87His; replaces leucine 87 with histidine.
Molecular consequence: missense variant.
Genome position (GRCh38, 1-based): chr14:77,597,253, A>T on the plus strand (T>A on the coding strand, the complement: SPTLC2 is on the minus strand). VCF-style: chr14-77597253-A-T. GRCh37 (hg19) VCF-style: chr14-78063596-A-T.
Other names: short protein forms L87H.
Identifiers: ClinVar variation 2714079 (VCV002714079.3), dbSNP rs2503542157, ClinGen allele CA390705407.

ClinVar aggregate classification (germline): Uncertain significance (1 of 4 stars; one submission).

Conditions:
Neuropathy, hereditary sensory and autonomic, type 1C. Also called: HSAN IC; HSN IC. Identifiers: Orphanet 36386, MedGen C3150896, MONDO:0013337, OMIM 613640.

Submission:

Labcorp Genetics (formerly Invitae), Labcorp
Classification: Uncertain significance for Neuropathy, hereditary sensory and autonomic, type 1C. Last evaluated: 2024-01-29. Review status: criteria provided, single submitter. Criteria: Invitae Variant Classification Sherloc (09022015). Collection method: clinical testing. Allele origin: germline.
Comment: This sequence change replaces leucine, which is neutral and non-polar, with histidine, which is basic and polar, at codon 87 of the SPTLC2 protein (p.Leu87His). This variant is not present in population databases (gnomAD no frequency). This variant has not been reported in the literature in individuals affected with SPTLC2-related conditions. An algorithm developed to predict the effect of missense changes on protein structure and function (PolyPhen-2) suggests that this variant is likely to be disruptive. In summary, the available evidence is currently insufficient to determine the role of this variant in disease. Therefore, it has been classified as a Variant of Uncertain Significance.